The following is an entry in ClinVar:

ClinVar aggregate classification (germline): Uncertain significance (0 of 4 stars; one submission).

Conditions:
DLGAP2-related disorder. Also called: DLGAP2-related condition.

gnomAD v4.1: 3 of 1,607,280 alleles (0.00019%); highest among the groups gnomAD compares: Non-Finnish European, 0.00025%; no homozygotes.

Submission:

PreventionGenetics, part of Exact Sciences
Classification: Uncertain significance for DLGAP2-related condition. Last evaluated: 2024-08-26. Review status: no assertion criteria provided. Collection method: clinical testing. Allele origin: germline.
Comment: The DLGAP2 c.254C>G variant is predicted to result in the amino acid substitution p.Ser85Cys. To our knowledge, this variant has not been reported in the literature or in a large population database, indicating this variant is rare. At this time, the clinical significance of this variant is uncertain due to the absence of conclusive functional and genetic evidence.

NM_001346810.2(DLGAP2):c.254C>G (p.Ser85Cys)

Gene: DLGAP2 (DLG associated protein 2; plus strand). Cytogenetic location: 8p23.3.
Variant type: single nucleotide variant.
Coding change: c.254C>G on transcript NM_001346810.2 (MANE Select); coding-DNA position 254, C replaced by G.
Protein change: p.Ser85Cys; replaces serine 85 with cysteine.
Molecular consequence: missense variant.
Genome position (GRCh38, 1-based): chr8:1,548,707, C>G. VCF-style: chr8-1548707-C-G. GRCh37 (hg19) VCF-style: chr8-1496873-C-G.
Other names: short protein forms S85C.
Identifiers: ClinVar variation 3353397 (VCV003353397.1).